The following is an entry in ClinVar:

ClinVar aggregate classification (germline): Uncertain significance (1 of 4 stars; one submission).

Conditions:
Nemaline myopathy 10 (NEM10). Identifiers: MedGen C4015360, MONDO:0014513, OMIM 616165.

Allele frequency attached by ClinVar (database versions not stated): gnomAD exomes below 0.00001; TOPMed below 0.00001; gnomAD 0.00001.
gnomAD v4.1: 8 of 1,613,774 alleles (0.0005%); highest among the groups gnomAD compares: Non-Finnish European, 0.00051%; no homozygotes.

Submission:

Labcorp Genetics (formerly Invitae), Labcorp
Classification: Uncertain significance for Nemaline myopathy 10. Last evaluated: 2022-07-05. Review status: criteria provided, single submitter. Criteria: Invitae Variant Classification Sherloc (09022015). Collection method: clinical testing. Allele origin: germline.
Comment: In summary, the available evidence is currently insufficient to determine the role of this variant in disease. Therefore, it has been classified as a Variant of Uncertain Significance. Algorithms developed to predict the effect of missense changes on protein structure and function are either unavailable or do not agree on the potential impact of this missense change (SIFT: "Deleterious"; PolyPhen-2: "Probably Damaging"; Align-GVGD: "Class C0"). ClinVar contains an entry for this variant (Variation ID: 575383). This variant has not been reported in the literature in individuals affected with LMOD3-related conditions. This variant is not present in population databases (gnomAD no frequency). This sequence change replaces methionine, which is neutral and non-polar, with isoleucine, which is neutral and non-polar, at codon 384 of the LMOD3 protein (p.Met384Ile).

NM_198271.5(LMOD3):c.1152G>A (p.Met384Ile)

Gene: LMOD3 (leiomodin 3; minus strand). Cytogenetic location: 3p14.1.
Variant type: single nucleotide variant.
Coding change: c.1152G>A on transcript NM_198271.5 (MANE Select); coding-DNA position 1152, G replaced by A.
Protein change: p.Met384Ile; replaces methionine 384 with isoleucine.
Molecular consequence: missense variant.
Genome position (GRCh38, 1-based): chr3:69,119,203, C>T on the plus strand (G>A on the coding strand, the complement: LMOD3 is on the minus strand). VCF-style: chr3-69119203-C-T. GRCh37 (hg19) VCF-style: chr3-69168354-C-T.
Other names: c.1152G>A, p.Met384Ile (NM_001304418.3); short protein forms M384I.
Identifiers: ClinVar variation 575383 (VCV000575383.5), dbSNP rs1424776785, ClinGen allele CA353472718.